The following is an entry in ClinVar:

NC_000011.10:g.47343016C>T

Gene: MYBPC3 (myosin binding protein C3; minus strand). Cytogenetic location: 11p11.2.
Variant type: single nucleotide variant.
Genome position: GRCh38 VCF-style: chr11-47343016-C-T. GRCh37 (hg19) VCF-style: chr11-47364567-C-T.
Other names: c.1351+5G>A (NM_000256.3, LRG_386t1).
Identifiers: ClinVar variation 524989 (VCV000524989.7), dbSNP rs1555122293, ClinGen allele CA658797636.
Genomic context (GRCh38, chr11:47,343,016, plus strand): 5'-TGAGGGTTGGCTCCCCTGAGGCCATCTCCTCCCCAGGTTCCCACATCCTCAGGTCCCAGG[C>T]CCACCTTTCACAAAGAGCTCCGTGCTACACTTCTCGCCACCCACCACGCACTGGTAGGCT-3'

ClinVar aggregate classification (germline): Uncertain significance. Review status: criteria provided, multiple submitters, no conflicts (2 of 4 stars). 2 submissions from 2 submitters: Uncertain significance (2). Last evaluated 2023-10-03.

Conditions:
Hypertrophic cardiomyopathy. Also called: HYPERTROPHIC MYOCARDIOPATHY. Identifiers: Orphanet 217569, MedGen C0007194, MeSH D002312, MONDO:0005045, HP:0001639.

Allele frequency attached by ClinVar (database versions not stated): gnomAD exomes 0.00001.
gnomAD v4.1: 8 of 1,613,090 alleles (0.0005%); highest among the groups gnomAD compares: Non-Finnish European, 0.00068%; no homozygotes.

Submissions (2):

Labcorp Genetics (formerly Invitae), Labcorp
Classification: Uncertain significance for Hypertrophic cardiomyopathy. Last evaluated: 2023-10-03. Review status: criteria provided, single submitter. Criteria: Invitae Variant Classification Sherloc (09022015). Collection method: clinical testing. Allele origin: germline.
Comment: This sequence change falls in intron 15 of the MYBPC3 gene. It does not directly change the encoded amino acid sequence of the MYBPC3 protein. It affects a nucleotide within the consensus splice site. This variant is not present in population databases (gnomAD no frequency). This variant has not been reported in the literature in individuals affected with MYBPC3-related conditions. ClinVar contains an entry for this variant (Variation ID: 524989). Variants that disrupt the consensus splice site are a relatively common cause of aberrant splicing (PMID: 17576681, 9536098). Algorithms developed to predict the effect of sequence changes on RNA splicing suggest that this variant may disrupt the consensus splice site. In summary, the available evidence is currently insufficient to determine the role of this variant in disease. Therefore, it has been classified as a Variant of Uncertain Significance.

GeneDx
Classification: Uncertain significance. Last evaluated: 2022-11-09. Review status: criteria provided, single submitter. Criteria: GeneDx Variant Classification Process June 2021. Collection method: clinical testing. Allele origin: germline. Affected: yes.
Comment: Not observed at significant frequency in large population cohorts (gnomAD); In silico analysis supports a deleterious effect on splicing; Has not been previously published as pathogenic or benign to our knowledge

Literature cited by the submitters: PubMed 17576681 (cited by Labcorp Genetics (formerly Invitae), Labcorp); PubMed 9536098 (cited by Labcorp Genetics (formerly Invitae), Labcorp).